The following is an entry in ClinVar:

NM_000548.5(TSC2):c.3343C>T (p.Gln1115Ter)

Gene: TSC2 (TSC complex subunit 2; plus strand). Cytogenetic location: 16p13.3.
Variant type: single nucleotide variant.
Coding change: c.3343C>T on transcript NM_000548.5 (MANE Select); coding-DNA position 3343, C replaced by T.
Protein change: p.Gln1115Ter; replaces glutamine 1115 with a stop codon.
Molecular consequence: nonsense.
Genome position (GRCh38, 1-based): chr16:2,079,615, C>T. VCF-style: chr16-2079615-C-T. GRCh37 (hg19) VCF-style: chr16-2129616-C-T.
Other names: c.3211C>T, p.Gln1071Ter (NM_001077183.3, NM_001370404.1); c.3343C>T, p.Gln1115Ter (NM_001114382.3); c.3103C>T, p.Gln1035Ter (NM_001318827.2); c.3067C>T, p.Gln1023Ter (NM_001318829.2); c.2611C>T, p.Gln871Ter (NM_001318831.2); c.3244C>T, p.Gln1082Ter (NM_001318832.2); c.3214C>T, p.Gln1072Ter (NM_001363528.2, NM_001370405.1, NM_021055.3); c.3343C>T (NM_000548.4); short protein forms Q1115*, Q1023*, Q1082*, Q1071*, Q871*, Q1035*, Q1072*.
Identifiers: ClinVar variation 49252 (VCV000049252.11), dbSNP rs137854253, ClinGen allele CA018915.

ClinVar aggregate classification (germline): Pathogenic. Review status: criteria provided, multiple submitters, no conflicts (2 of 4 stars). 4 submissions from 4 submitters: Pathogenic (3). 1 of the submissions does not count toward it. Last evaluated 2026-04-24.

Conditions:
TSC2-related disorder. Also called: TSC2-Related Disorders; TSC2-related condition.
Tuberous sclerosis syndrome (TSC). Also called: Tuberous Sclerosis Complex; Tuberous sclerosis. Identifiers: Orphanet 805, MedGen C0041341, MONDO:0001734.
Tuberous sclerosis 2 (TSC2). Identifiers: Orphanet 805, MedGen C1860707, MONDO:0013199, OMIM 613254.

Submissions (4):

PreventionGenetics, part of Exact Sciences
Classification: Pathogenic for TSC2-related condition. Last evaluated: 2026-04-24. Review status: criteria provided, single submitter. Criteria: ACMG Guidelines, 2015. Collection method: clinical testing. Allele origin: germline.
Comment: The TSC2 c.3343C>T variant is predicted to result in premature protein termination (p.Gln1115*). This variant has been reported in an individual with tuberous sclerosis complex (Additional File 1, Luo et al. 2022. PubMed ID: 35870981). This variant has not been reported in a large population database (gnomAD), indicating it is rare. Nonsense variants in TSC2 are expected to be pathogenic. This variant is interpreted as pathogenic.

3billion
Classification: Pathogenic for Tuberous sclerosis 2. Last evaluated: 2025-11-28. Review status: criteria provided, single submitter. Criteria: ACMG Guidelines, 2015. Collection method: clinical testing. Allele origin: germline. Affected: yes.
Comment: The variant is not observed in the gnomAD v4.1.0 dataset. Predicted Consequence/Location: Stop-gained (nonsense): predicted to result in a loss or disruption of normal protein function through nonsense-mediated decay (NMD) or protein truncation. Multiple pathogenic variants are reported downstream of the variant. The variant has been reported to be associated with TSC2-related disorder (ClinVar ID: VCV000049252 /PMID: 35870981). Therefore, this variant is classified as Pathogenic according to the recommendation of ACMG/AMP guideline.

Labcorp Genetics (formerly Invitae), Labcorp
Classification: Pathogenic for Tuberous sclerosis 2. Last evaluated: 2022-03-19. Review status: criteria provided, single submitter. Criteria: Invitae Variant Classification Sherloc (09022015). Collection method: clinical testing. Allele origin: germline.
Comment: ClinVar contains an entry for this variant (Variation ID: 49252). This sequence change creates a premature translational stop signal (p.Gln1115*) in the TSC2 gene. It is expected to result in an absent or disrupted protein product. Loss-of-function variants in TSC2 are known to be pathogenic (PMID: 10205261, 17304050). This variant is not present in population databases (gnomAD no frequency). This premature translational stop signal has been observed in individual(s) with TSC2-related conditions (PMID: 21520333). Algorithms developed to predict the effect of sequence changes on RNA splicing suggest that this variant may disrupt the consensus splice site. For these reasons, this variant has been classified as Pathogenic.

Tuberous sclerosis database (TSC2)
No classification provided. Condition: TSC. Review status: no classification provided. Criteria: Tuberous Sclerosis Database Assertion Criteria 2015. Collection method: curation. Allele origin: germline. Affected: yes. Not counted in ClinVar's aggregate classification.

Literature cited by the submitters: PubMed 35870981 (cited by 3billion); PubMed 10205261 (cited by Labcorp Genetics (formerly Invitae), Labcorp); PubMed 17304050 (cited by Labcorp Genetics (formerly Invitae), Labcorp); PubMed 21520333 (cited by Labcorp Genetics (formerly Invitae), Labcorp).